The following is an entry in ClinVar:

NM_000059.4(BRCA2):c.1550A>T (p.Asn517Ile)

Gene: BRCA2 (BRCA2 DNA repair associated; plus strand). Cytogenetic location: 13q13.1.
Variant type: single nucleotide variant.
Coding change: c.1550A>T on transcript NM_000059.4 (MANE Select); coding-DNA position 1550, A replaced by T.
Protein change: p.Asn517Ile; replaces asparagine 517 with isoleucine.
Molecular consequence: missense variant.
Genome position (GRCh38, 1-based): chr13:32,333,028, A>T. VCF-style: chr13-32333028-A-T. GRCh37 (hg19) VCF-style: chr13-32907165-A-T.
Other names: short protein forms N517I.
Identifiers: ClinVar variation 481186 (VCV000481186.16), dbSNP rs80358439, ClinGen allele CA387764662.

ClinVar aggregate classification (germline): Conflicting classifications of pathogenicity. Review status: criteria provided, conflicting classifications (1 of 4 stars). 3 submissions from 3 submitters: Uncertain significance (2); Likely benign (1). Last evaluated 2023-03-23.

Conditions:
Hereditary cancer-predisposing syndrome. Also called: Hereditary Cancer Syndrome; Neoplastic Syndromes, Hereditary; Tumor predisposition; Hereditary neoplastic syndrome. Identifiers: Orphanet 140162, MedGen C0027672, MeSH D009386, MONDO:0015356.
Hereditary breast ovarian cancer syndrome. Also called: Hereditary breast and ovarian cancer syndrome; Hereditary breast and ovarian cancer; Hereditary breast and ovarian cancer syndrome (HBOC); Breast and ovarian cancer; Hereditary breast and/or ovarian cancer syndrome; BRCA1- and BRCA2-Associated Hereditary Breast and Ovarian Cancer. Identifiers: Orphanet 145, MedGen C0677776, MeSH D061325, MONDO:0003582. Disease mechanism: loss of function.

Submissions (3):

University of Washington Department of Laboratory Medicine, University of Washington
Classification: Likely benign for Hereditary cancer-predisposing syndrome. Last evaluated: 2023-03-23. Review status: criteria provided, single submitter. Criteria: Dines et al. (Genet Med. 2020). Collection method: curation. Allele origin: germline.
Comment: Missense variant in a coldspot region where missense variants are very unlikely to be pathogenic (PMID:31911673).

BRCA2 exon 10 coldspot. Reclassification based on statistical prior probability.

Labcorp Genetics (formerly Invitae), Labcorp
Classification: Uncertain significance for Hereditary breast ovarian cancer syndrome. Last evaluated: 2019-09-07. Review status: criteria provided, single submitter. Criteria: Invitae Variant Classification Sherloc (09022015). Collection method: clinical testing. Allele origin: germline.
Comment: Algorithms developed to predict the effect of missense changes on protein structure and function (SIFT, PolyPhen-2, Align-GVGD) all suggest that this variant is likely to be tolerated, but these predictions have not been confirmed by published functional studies and their clinical significance is uncertain. This variant has not been reported in the literature in individuals with BRCA2-related conditions. ClinVar contains an entry for this variant (Variation ID: 481186). This variant is not present in population databases (ExAC no frequency). This sequence change replaces asparagine with isoleucine at codon 517 of the BRCA2 protein (p.Asn517Ile). The asparagine residue is weakly conserved and there is a large physicochemical difference between asparagine and isoleucine. In summary, the available evidence is currently insufficient to determine the role of this variant in disease. Therefore, it has been classified as a Variant of Uncertain Significance.

Ambry Genetics
Classification: Uncertain significance for Hereditary cancer-predisposing syndrome. Last evaluated: 2017-08-21. Review status: criteria provided, single submitter. Criteria: Ambry Variant Classification Scheme 2023. Collection method: clinical testing. Allele origin: germline.
Comment: The p.N517I variant (also known as c.1550A>T), located in coding exon 9 of the BRCA2 gene, results from an A to T substitution at nucleotide position 1550. The asparagine at codon 517 is replaced by isoleucine, an amino acid with dissimilar properties. This amino acid position is poorly conserved in available vertebrate species. In addition, this alteration is predicted to be tolerated by in silico analysis. Since supporting evidence is limited at this time, the clinical significance of this alteration remains unclear.